The following is an entry in ClinVar:

NM_000057.4(BLM):c.3076A>G (p.Met1026Val)

Gene: BLM (BLM RecQ like helicase; plus strand). Cytogenetic location: 15q26.1.
Variant type: single nucleotide variant.
Coding change: c.3076A>G on transcript NM_000057.4 (MANE Select); coding-DNA position 3076, A replaced by G.
Protein change: p.Met1026Val; replaces methionine 1026 with valine.
Molecular consequence: missense variant.
Genome position (GRCh38, 1-based): chr15:90,794,223, A>G. VCF-style: chr15-90794223-A-G. GRCh37 (hg19) VCF-style: chr15-91337453-A-G.
Other names: c.3076A>G, p.Met1026Val (NM_001287246.2, NM_001287247.2); c.1951A>G, p.Met651Val (NM_001287248.2); short protein forms M1026V, M651V.
Identifiers: ClinVar variation 970379 (VCV000970379.13), dbSNP rs766225961, ClinGen allele CA7738938.

ClinVar aggregate classification (germline): Uncertain significance. Review status: criteria provided, multiple submitters, no conflicts (2 of 4 stars). 3 submissions from 3 submitters: Uncertain significance (3). Last evaluated 2025-01-22.

Conditions:
Hereditary cancer-predisposing syndrome. Also called: Neoplastic Syndromes, Hereditary; Hereditary Cancer Syndrome; Tumor predisposition; Hereditary neoplastic syndrome. Identifiers: Orphanet 140162, MedGen C0027672, MeSH D009386, MONDO:0015356.
Bloom syndrome (BLM). Also called: Bloom-Torre-Machacek syndrome. Identifiers: Orphanet 125, MedGen C0005859, MONDO:0008876, OMIM 210900.

Allele frequency attached by ClinVar (database versions not stated): gnomAD exomes below 0.00001; ExAC 0.00001; gnomAD 0.00001.

Submissions (3):

Labcorp Genetics (formerly Invitae), Labcorp
Classification: Uncertain significance for Bloom syndrome. Last evaluated: 2025-01-22. Review status: criteria provided, single submitter. Criteria: Invitae Variant Classification Sherloc (09022015). Collection method: clinical testing. Allele origin: germline.
Comment: This sequence change replaces methionine, which is neutral and non-polar, with valine, which is neutral and non-polar, at codon 1026 of the BLM protein (p.Met1026Val). This variant is present in population databases (rs766225961, gnomAD 0.002%). This variant has not been reported in the literature in individuals affected with BLM-related conditions. ClinVar contains an entry for this variant (Variation ID: 970379). Invitae Evidence Modeling of protein sequence and biophysical properties (such as structural, functional, and spatial information, amino acid conservation, physicochemical variation, residue mobility, and thermodynamic stability) indicates that this missense variant is not expected to disrupt BLM protein function with a negative predictive value of 80%. In summary, the available evidence is currently insufficient to determine the role of this variant in disease. Therefore, it has been classified as a Variant of Uncertain Significance.

Ambry Genetics
Classification: Uncertain significance for Hereditary cancer-predisposing syndrome. Last evaluated: 2023-12-22. Review status: criteria provided, single submitter. Criteria: Ambry Variant Classification Scheme 2023. Collection method: clinical testing. Allele origin: germline.
Comment: The p.M1026V variant (also known as c.3076A>G), located in coding exon 15 of the BLM gene, results from an A to G substitution at nucleotide position 3076. The methionine at codon 1026 is replaced by valine, an amino acid with highly similar properties. This amino acid position is conserved. In addition, this alteration is predicted to be deleterious by in silico analysis. Since supporting evidence is limited at this time, the clinical significance of this alteration remains unclear.

GeneDx
Classification: Uncertain significance. Last evaluated: 2022-03-04. Review status: criteria provided, single submitter. Criteria: GeneDx Variant Classification Process June 2021. Collection method: clinical testing. Allele origin: germline. Affected: yes.
Comment: Not observed at significant frequency in large population cohorts (gnomAD); In silico analysis supports that this missense variant has a deleterious effect on protein structure/function; Has not been previously published as pathogenic or benign to our knowledge